The following is an entry in ClinVar:

ClinVar aggregate classification (germline): Pathogenic/Likely pathogenic. Review status: criteria provided, multiple submitters, no conflicts (2 of 4 stars). 7 submissions from 6 submitters: Pathogenic (4); Likely pathogenic (3). Last evaluated 2025-02-05.

Conditions:
Hereditary cancer-predisposing syndrome. Also called: Neoplastic Syndromes, Hereditary; Tumor predisposition; Hereditary Cancer Syndrome; Hereditary neoplastic syndrome. Identifiers: Orphanet 140162, MedGen C0027672, MeSH D009386, MONDO:0015356.
CHEK2-related cancer predisposition (TPDS4). Also called: CHEK2-related cancer susceptibility; TUMOR PREDISPOSITION SYNDROME 4; CANCER PREDISPOSITION SYNDROME, CHEK2-RELATED. Identifiers: Orphanet 524, MedGen C5882668, MONDO:0700271, OMIM 609265.
Familial cancer of breast. Also called: BREAST CANCER, FAMILIAL; hereditary breast carcinoma; Hereditary breast cancer. Identifiers: Orphanet 227535, MedGen C0346153, MONDO:0016419, OMIM 114480. Disease mechanism: loss of function.
Bone osteosarcoma. Also called: Osteosarcoma, somatic. Identifiers: Orphanet 668, MedGen C0585442, MONDO:0002629, OMIM 259500.
Familial prostate cancer. Also called: Hereditary Prostate Cancer. Identifiers: MedGen C2931456, MONDO:0700275, OMIM 176807.

gnomAD v4.1: 1 of 1,613,992 alleles (0.000062%); highest among the groups gnomAD compares: Admixed American, 0.0017%; no homozygotes.

Submissions (7):

Labcorp Genetics (formerly Invitae), Labcorp
Classification: Pathogenic for Familial cancer of breast. Last evaluated: 2025-02-05. Review status: criteria provided, single submitter. Criteria: Invitae Variant Classification Sherloc (09022015). Collection method: clinical testing. Allele origin: germline.
Comment: This sequence change creates a premature translational stop signal (p.Lys253*) in the CHEK2 gene. It is expected to result in an absent or disrupted protein product. Loss-of-function variants in CHEK2 are known to be pathogenic (PMID: 21876083, 24713400). This variant is not present in population databases (gnomAD no frequency). This variant has not been reported in the literature in individuals affected with CHEK2-related conditions. ClinVar contains an entry for this variant (Variation ID: 491635). For these reasons, this variant has been classified as Pathogenic.

Ambry Genetics
Classification: Pathogenic for Hereditary cancer-predisposing syndrome. Last evaluated: 2024-12-19. Review status: criteria provided, single submitter. Criteria: Ambry Variant Classification Scheme 2023. Collection method: clinical testing. Allele origin: germline.
Comment: The p.K253* pathogenic mutation (also known as c.757A>T), located in coding exon 5 of the CHEK2 gene, results from an A to T substitution at nucleotide position 757. This changes the amino acid from a lysine to a stop codon within coding exon 5. This alteration was reported as damaging in an mES cell-based assay of CHEK2 activity (Boonen RACM et al. Cancer Res, 2022 Feb;82:615-631). This variant is considered to be rare based on population cohorts in the Genome Aggregation Database (gnomAD). This alteration is expected to result in loss of function by premature protein truncation or nonsense-mediated mRNA decay. As such, this alteration is interpreted as a disease-causing mutation.

Fulgent Genetics
Classification: Likely pathogenic for Familial prostate cancer; Bone osteosarcoma; CHEK2-related cancer predisposition. Last evaluated: 2024-02-24. Review status: criteria provided, single submitter. Criteria: ACMG Guidelines, 2015. Collection method: clinical testing. Allele origin: germline.

Myriad Genetics, Inc.
Classification: Pathogenic for Familial cancer of breast. Last evaluated: 2023-06-26. Review status: criteria provided, single submitter. Criteria: Myriad Autosomal Dominant, Autosomal Recessive and X-Linked Classification Criteria (2023). Collection method: clinical testing. Allele origin: unknown.
Comment: This variant is considered pathogenic. This variant creates a termination codon and is predicted to result in premature protein truncation.

Baylor Genetics
Classification: Likely pathogenic for Familial cancer of breast. Last evaluated: 2023-06-16. Review status: criteria provided, single submitter. Criteria: ACMG Guidelines, 2015. Collection method: clinical testing. Allele origin: unknown.

Color Diagnostics, LLC DBA Color Health
Classification: Pathogenic for Hereditary cancer-predisposing syndrome. Last evaluated: 2022-03-01. Review status: criteria provided, single submitter. Criteria: ACMG Guidelines, 2015. Collection method: clinical testing. Allele origin: germline.
Comment: This variant changes 1 nucleotide in exon 6 of the CHEK2 gene, creating a premature translation stop signal. This variant is expected to result in an absent or non-functional protein product. To our knowledge, this variant has not been reported in individuals affected with hereditary cancer in the literature. This variant has not been identified in the general population by the Genome Aggregation Database (gnomAD). Loss of CHEK2 function is a known mechanism of disease. Based on the available evidence, this variant is classified as Pathogenic.

Baylor Genetics
Classification: Likely pathogenic for CHEK2-related cancer predisposition. Last evaluated: 2021-05-25. Review status: criteria provided, single submitter. Criteria: ACMG Guidelines, 2015. Collection method: clinical testing. Allele origin: unknown. Affected: yes. Study: CSER-TexasKidsCanSeq.
Comment: This variant was determined to be likely pathogenic according to ACMG Guidelines, 2015 [PMID:25741868].

Literature cited by the submitters: PubMed 21876083 (cited by Labcorp Genetics (formerly Invitae), Labcorp); PubMed 24713400 (cited by Labcorp Genetics (formerly Invitae), Labcorp); PubMed 34903604 (cited by Ambry Genetics).

NM_007194.4(CHEK2):c.757A>T (p.Lys253Ter)

Gene: CHEK2 (checkpoint kinase 2; minus strand). Cytogenetic location: 22q12.1.
Variant type: single nucleotide variant.
Coding change: c.757A>T on transcript NM_007194.4 (MANE Select); coding-DNA position 757, A replaced by T.
Protein change: p.Lys253Ter; replaces lysine 253 with a stop codon.
Molecular consequence: nonsense.
Genome position (GRCh38, 1-based): chr22:28,711,944, T>A on the plus strand (A>T on the coding strand, the complement: CHEK2 is on the minus strand). VCF-style: chr22-28711944-T-A. GRCh37 (hg19) VCF-style: chr22-29107932-T-A.
Other names: c.94A>T, p.Lys32Ter (NM_001257387.3); c.556A>T, p.Lys186Ter (NM_001349956.3); c.757A>T, p.Lys253Ter (NM_145862.3); c.886A>T, p.Lys296Ter (NM_001005735.3); short protein forms K253*, K186*, K32*, K296*.
Identifiers: ClinVar variation 491635 (VCV000491635.21), dbSNP rs786201896, ClinGen allele CA411103191.
Genomic context (GRCh38, chr22:28,711,944, plus strand): 5'-TGATCAGCCTTTTATTGGTACTTACTGCCTCTCTTGCTGAACCAATAGCAAACTTCCTTT[T>A]GCTGATGATCTTTATGGCTACTTTCTTACATGTTTTCCTCTCGAAAGCCAGCTTTACCTC-3'